The following is an entry in ClinVar:

NM_001142.2(AMELX):c.568G>T (p.Val190Leu)

Genes: AMELX (amelogenin X-linked; plus strand), ARHGAP6 (Rho GTPase activating protein 6; minus strand). Cytogenetic location: Xp22.2.
Variant type: single nucleotide variant.
Coding change: c.568G>T on transcript NM_001142.2 (MANE Select); coding-DNA position 568, G replaced by T.
Protein change: p.Val190Leu; replaces valine 190 with leucine.
Molecular consequence: missense variant. On other transcripts: intron variant (3).
Genome position (GRCh38, 1-based): chrX:11,298,971, G>T. VCF-style: chrX-11298971-G-T. GRCh37 (hg19) VCF-style: chrX-11317091-G-T.
Other names: c.610G>T, p.Val204Leu (NM_182680.1); c.520G>T, p.Val174Leu (NM_182681.1); c.589-44264C>A (NM_013427.3, NM_006125.3); c.49-44264C>A (NM_001287242.2); short protein forms V204L, V190L, V174L.
Identifiers: ClinVar variation 4991611 (VCV004991611.1).

ClinVar aggregate classification (germline): Uncertain significance (1 of 4 stars; one submission).

Conditions:
AMELX-related disorder. Also called: AMELX-related condition.

Submission:

PreventionGenetics, part of Exact Sciences
Classification: Uncertain significance for AMELX-related condition. Last evaluated: 2026-04-26. Review status: criteria provided, single submitter. Criteria: ACMG Guidelines, 2015. Collection method: clinical testing. Allele origin: germline.
Comment: The AMELX c.610G>T variant is predicted to result in the amino acid substitution p.Val204Leu. To our knowledge, this variant has not been reported in the literature or in a large population database (gnomAD), indicating this variant is rare. At this time, the clinical significance of this variant is uncertain due to the absence of conclusive functional and genetic evidence.